The following is an entry in ClinVar:

ClinVar aggregate classification (germline): Uncertain significance (1 of 4 stars; one submission).

Submission:

Labcorp Genetics (formerly Invitae), Labcorp
Classification: Uncertain significance. Last evaluated: 2022-08-09. Review status: criteria provided, single submitter. Criteria: Invitae Variant Classification Sherloc (09022015). Collection method: clinical testing. Allele origin: germline.
Comment: In summary, the available evidence is currently insufficient to determine the role of this variant in disease. Therefore, it has been classified as a Variant of Uncertain Significance. Algorithms developed to predict the effect of missense changes on protein structure and function are either unavailable or do not agree on the potential impact of this missense change (SIFT: "Tolerated"; PolyPhen-2: "Possibly Damaging"; Align-GVGD: "Class C0"). This variant has not been reported in the literature in individuals affected with SH3PXD2B-related conditions. This variant is not present in population databases (gnomAD no frequency). This sequence change replaces isoleucine, which is neutral and non-polar, with threonine, which is neutral and polar, at codon 87 of the SH3PXD2B protein (p.Ile87Thr).

NM_001017995.3(SH3PXD2B):c.260T>C (p.Ile87Thr)

Gene: SH3PXD2B (SH3 and PX domains 2B; minus strand). Cytogenetic location: 5q35.1.
Variant type: single nucleotide variant.
Coding change: c.260T>C on transcript NM_001017995.3 (MANE Select); coding-DNA position 260, T replaced by C.
Protein change: p.Ile87Thr; replaces isoleucine 87 with threonine.
Molecular consequence: missense variant.
Genome position (GRCh38, 1-based): chr5:172,394,612, A>G on the plus strand (T>C on the coding strand, the complement: SH3PXD2B is on the minus strand). VCF-style: chr5-172394612-A-G. GRCh37 (hg19) VCF-style: chr5-171821616-A-G.
Other names: c.260T>C, p.Ile87Thr (NM_001308175.2); short protein forms I87T.
Identifiers: ClinVar variation 2068133 (VCV002068133.4), dbSNP rs2532789103, ClinGen allele CA362145972.
Genomic context (GRCh38, chr5:172,394,612, plus strand): 5'-CTCAGCCTTACCTTACAGTATTCATCAATTGGTATCAGGCGTTTGACAGCCACGTCCCGG[A>G]TGTGGCTTCGTCTGAAGAGAATCTTACCTGCAGAAGATGAGAGCAAAGACAGTGTTGTCA-3'
Protein context (NP_001017995.1, residues 77-97): PGKILFRRSH[Ile87Thr]RDVAVKRLIP